The following is an entry in ClinVar:

NM_000179.3(MSH6):c.336C>A (p.Asn112Lys)

Gene: MSH6 (mutS homolog 6; plus strand). Cytogenetic location: 2p16.3.
Variant type: single nucleotide variant.
Coding change: c.336C>A on transcript NM_000179.3 (MANE Select); coding-DNA position 336, C replaced by A.
Protein change: p.Asn112Lys; replaces asparagine 112 with lysine.
Molecular consequence: missense variant. On other transcripts: 5 prime UTR variant (2), intron variant (1).
Genome position (GRCh38, 1-based): chr2:47,791,002, C>A. VCF-style: chr2-47791002-C-A. GRCh37 (hg19) VCF-style: chr2-48018141-C-A.
Other names: c.-401C>A (NM_001281493.2); c.-567C>A (NM_001281494.2); c.237+7532C>A (NM_001281492.2); short protein forms N112K.
Identifiers: ClinVar variation 455252 (VCV000455252.27), dbSNP rs1182444882, ClinGen allele CA346736958.

ClinVar aggregate classification (germline): Conflicting classifications of pathogenicity. Review status: criteria provided, conflicting classifications (1 of 4 stars). 8 submissions from 8 submitters: Uncertain significance (7); Benign (1). Last evaluated 2026-01-25.

Conditions:
Hereditary nonpolyposis colorectal neoplasms. Identifiers: MedGen C0009405, MeSH D003123.
Hereditary cancer-predisposing syndrome. Also called: Hereditary Cancer Syndrome; Hereditary neoplastic syndrome; Neoplastic Syndromes, Hereditary; Tumor predisposition. Identifiers: Orphanet 140162, MedGen C0027672, MeSH D009386, MONDO:0015356.
Lynch syndrome. Identifiers: Orphanet 144, MedGen C4552100, MONDO:0005835. Disease mechanism: loss of function.

Allele frequency attached by ClinVar (database versions not stated): TOPMed below 0.00001; gnomAD 0.00001.
gnomAD v4.1: 5 of 1,614,096 alleles (0.00031%); highest among the groups gnomAD compares: Non-Finnish European, 0.00042%; no homozygotes.

Submissions (8):

Labcorp Genetics (formerly Invitae), Labcorp
Classification: Uncertain significance for Hereditary nonpolyposis colorectal neoplasms. Last evaluated: 2026-01-25. Review status: criteria provided, single submitter. Criteria: Invitae Variant Classification Sherloc (09022015). Collection method: clinical testing. Allele origin: germline.
Comment: This sequence change replaces asparagine, which is neutral and polar, with lysine, which is basic and polar, at codon 112 of the MSH6 protein (p.Asn112Lys). This variant is not present in population databases (gnomAD no frequency). This variant has not been reported in the literature in individuals affected with MSH6-related conditions. ClinVar contains an entry for this variant (Variation ID: 455252). Invitae Evidence Modeling of protein sequence and biophysical properties (such as structural, functional, and spatial information, amino acid conservation, physicochemical variation, residue mobility, and thermodynamic stability) indicates that this missense variant is not expected to disrupt MSH6 protein function with a negative predictive value of 95%. In summary, the available evidence is currently insufficient to determine the role of this variant in disease. Therefore, it has been classified as a Variant of Uncertain Significance.

Color Diagnostics, LLC DBA Color Health
Classification: Uncertain significance for Hereditary cancer-predisposing syndrome. Last evaluated: 2025-07-10. Review status: criteria provided, single submitter. Criteria: ACMG Guidelines, 2015. Collection method: clinical testing. Allele origin: germline.
Comment: This missense variant replaces asparagine with lysine at codon 112 of the MSH6 protein. Computational prediction suggests that this variant may not impact protein structure and function. To our knowledge, functional studies have not been reported for this variant. This variant has not been reported in individuals affected with MSH6-related disorders in the literature. This variant has not been identified in the general population by the Genome Aggregation Database (gnomAD). The available evidence is insufficient to determine the role of this variant in disease conclusively. Therefore, this variant is classified as a Variant of Uncertain Significance.

Quest Diagnostics Nichols Institute San Juan Capistrano
Classification: Uncertain significance. Last evaluated: 2024-11-10. Review status: criteria provided, single submitter. Criteria: Quest Diagnostics criteria. Collection method: clinical testing. Allele origin: unknown.
Comment: The MSH6 c.336C>A (p.Asn112Lys) variant has not been reported in individuals with MSH6-related conditions in the published literature. In a large scale breast cancer association study, this variant has been observed in at least one breast cancer case and not in reportedly healthy individuals (PMID: 33471991 (2021), see also LOVD). The frequency of this variant in the general population, 0.0000066 (1/152218 chromosomes (Genome Aggregation Database)), is uninformative in the assessment of its pathogenicity. Analysis of this variant using bioinformatics tools for the prediction of the effect of amino acid changes on protein structure and function yielded predictions that this variant is benign. Based on the available information, we are unable to determine the clinical significance of this variant.

GeneDx
Classification: Uncertain significance. Last evaluated: 2024-09-09. Review status: criteria provided, single submitter. Criteria: GeneDx Variant Classification Process June 2021. Collection method: clinical testing. Allele origin: germline. Affected: yes.
Comment: Not observed at significant frequency in large population cohorts (gnomAD); In silico analysis indicates that this missense variant does not alter protein structure/function; Has not been previously published as pathogenic or benign to our knowledge

All of Us Research Program, National Institutes of Health
Classification: Uncertain significance for Lynch syndrome. Last evaluated: 2024-03-05. Review status: criteria provided, single submitter. Criteria: ACMG Guidelines, 2015. Collection method: clinical testing. Allele origin: germline. Inheritance: Autosomal dominant inheritance. Observed: 5 variant alleles, 5 heterozygotes.
Comment: This missense variant replaces asparagine with lysine at codon 112 of the MSH6 protein. Computational prediction suggests that this variant may not impact protein structure and function (internally defined REVEL score threshold <= 0.5, PMID: 27666373). Splice site prediction tools suggest that this variant may not impact RNA splicing. To our knowledge, functional studies have not been performed for this variant. This variant has not been reported in individuals affected with hereditary cancer in the literature. This variant has not been identified in the general population by the Genome Aggregation Database (gnomAD). The available evidence is insufficient to determine the role of this variant in disease conclusively. Therefore, this variant is classified as a Variant of Uncertain Significance.

This study involves interpretation of variants in research participants for the purpose of population health screening. Participant phenotype was not available at the time of variant classification. Additional details can be found in publication PMID: 35346344, PMCID: PMC8962531

Ambry Genetics
Classification: Benign for Hereditary cancer-predisposing syndrome. Last evaluated: 2023-12-15. Review status: criteria provided, single submitter. Criteria: Ambry Variant Classification Scheme 2023. Collection method: clinical testing. Allele origin: germline.

Sema4
Classification: Uncertain significance for Hereditary cancer-predisposing syndrome. Last evaluated: 2021-11-22. Review status: criteria provided, single submitter. Criteria: Sema4 Curation Guidelines. Collection method: curation. Allele origin: germline.
Comment: The MSH6 c.336C>A (p.N112K) variant has been reported in 1/60466 breast cancer cases and 0/53461 healthy controls by a large case-control study (PMID: 33471991). It was not observed in the large and broad cohorts of the Genome Aggregation Database (PMID: 32461654). This variant has been reported in ClinVar (Variation ID 455252). In silico tools suggest the impact of the variant on protein function is benign, though these predictions have not been confirmed by functional studies. The evidence is insufficient to meet ACMG/AMP criteria for classifying the variant as benign or pathogenic. Thus, the clinical significance of this variant is currently uncertain.

Women's Health and Genetics/Laboratory Corporation of America, LabCorp
Classification: Uncertain significance. Last evaluated: 2019-04-22. Review status: criteria provided, single submitter. Criteria: LabCorp Variant Classification Summary - May 2015. Collection method: clinical testing. Allele origin: germline.
Comment: Variant summary: MSH6 c.336C>A (p.Asn112Lys) results in a non-conservative amino acid change located in the PWWP domain of the encoded protein sequence. Two of four in-silico tools predict a benign effect of the variant on protein function. The variant was absent in 251490 control chromosomes. The available data on variant occurrences in the general population are insufficient to allow any conclusion about variant significance. To our knowledge, no occurrence of c.336C>A in individuals affected with Lynch Syndrome and no experimental evidence demonstrating its impact on protein function have been reported. Two clinical diagnostic laboratories have submitted clinical-significance assessments for this variant to ClinVar after 2014 without evidence for independent evaluation. All laboratories classified the variant as uncertain significance. Based on the evidence outlined above, the variant was classified as uncertain significance.

Literature cited by the submitters: PubMed 33471991 (cited by Quest Diagnostics Nichols Institute San Juan Capistrano and Sema4).